The following is an entry in ClinVar:

ClinVar aggregate classification (germline): Uncertain significance (1 of 4 stars; one submission).

Conditions:
Inborn genetic diseases. Identifiers: MedGen C0950123, MeSH D030342.

Submission:

Ambry Genetics
Classification: Uncertain significance for Inborn genetic diseases. Last evaluated: 2026-08-22. Review status: criteria provided, single submitter. Criteria: Ambry Variant Classification Scheme 2023. Collection method: clinical testing. Allele origin: germline.
Comment: The p.G82E variant (also known as c.245G>A), located in coding exon 1 of the SH2B3 gene, results from a G to A substitution at nucleotide position 245. The glycine at codon 82 is replaced by glutamic acid, an amino acid with similar properties. This amino acid position is conserved. In addition, this alteration is predicted to be tolerated by in silico analysis. Based on the available evidence, the clinical significance of this variant remains unclear.

NM_005475.3(SH2B3):c.245G>A (p.Gly82Glu)

Gene: SH2B3 (SH2B adaptor protein 3; plus strand). Cytogenetic location: 12q24.12.
Variant type: single nucleotide variant.
Coding change: c.245G>A on transcript NM_005475.3 (MANE Select); coding-DNA position 245, G replaced by A.
Protein change: p.Gly82Glu; replaces glycine 82 with glutamic acid.
Molecular consequence: missense variant.
Genome position (GRCh38, 1-based): chr12:111,418,390, G>A. VCF-style: chr12-111418390-G-A. GRCh37 (hg19) VCF-style: chr12-111856194-G-A.
Other names: short protein forms G82E.
Identifiers: ClinVar variation 5029511 (VCV005029511.1).